The following is an entry in ClinVar:

ClinVar aggregate classification (germline): Benign/Likely benign. Review status: criteria provided, multiple submitters, no conflicts (2 of 4 stars). 4 submissions from 4 submitters: Benign (1); Likely benign (2). 1 of the submissions does not count toward it. Last evaluated 2026-06-23.

Conditions:
Hereditary sensory neuropathy-deafness-dementia syndrome. Also called: Hereditary Sensory and Autonomic Neuropathy Type 1E (HSAN1E); Hereditary sensory neuropathy type IE; NEUROPATHY, HEREDITARY SENSORY, WITH HEARING LOSS AND DEMENTIA; HSN IE. Identifiers: Orphanet 456318, MedGen C3279885, MONDO:0013584, OMIM 614116.
DNMT1-related disorder. Also called: DNMT1-related condition. Identifiers: MedGen CN381527.

Allele frequency attached by ClinVar (database versions not stated): gnomAD 0.00008 and 0.00009; TOPMed 0.00008; ExAC 0.00008; ESP Exome Variant Server 0.00015; gnomAD exomes 0.00005.
gnomAD v4.1: 85 of 1,571,918 alleles (0.0054%); highest among the groups gnomAD compares: Non-Finnish European, 0.0069%; 1 homozygote.

Submissions (4):

Women's Health and Genetics/Laboratory Corporation of America, LabCorp
Classification: Benign. Last evaluated: 2026-06-23. Review status: criteria provided, single submitter. Criteria: LabCorp Variant Classification Summary - May 2015. Collection method: clinical testing. Allele origin: germline.

Labcorp Genetics (formerly Invitae), Labcorp
Classification: Likely benign for Hereditary sensory neuropathy-deafness-dementia syndrome. Last evaluated: 2025-11-10. Review status: criteria provided, single submitter. Criteria: Invitae Variant Classification Sherloc (09022015). Collection method: clinical testing. Allele origin: germline.

GeneDx
Classification: Likely benign. Last evaluated: 2020-12-03. Review status: criteria provided, single submitter. Criteria: GeneDx Variant Classification Process June 2021. Collection method: clinical testing. Allele origin: germline. Affected: yes.

PreventionGenetics, part of Exact Sciences
Classification: Likely benign for DNMT1-related condition. Last evaluated: 2019-07-09. Review status: no assertion criteria provided. Collection method: clinical testing. Allele origin: germline. Not counted in ClinVar's aggregate classification.
Comment: This variant is classified as likely benign based on ACMG/AMP sequence variant interpretation guidelines (Richards et al. 2015 PMID: 25741868, with internal and published modifications).

NM_001130823.3(DNMT1):c.1053A>G (p.Lys351=)

Gene: DNMT1 (DNA methyltransferase 1; minus strand). Cytogenetic location: 19p13.2.
Variant type: single nucleotide variant.
Coding change: c.1053A>G on transcript NM_001130823.3 (MANE Select); coding-DNA position 1053, A replaced by G.
Protein change: p.Lys351=; no amino-acid change (lysine 351 retained).
Molecular consequence: synonymous variant.
Genome position (GRCh38, 1-based): chr19:10,160,054, T>C on the plus strand (A>G on the coding strand, the complement: DNMT1 is on the minus strand). VCF-style: chr19-10160054-T-C. GRCh37 (hg19) VCF-style: chr19-10270730-T-C.
Other names: c.1053A>G (LRG_362t1, NM_001130823.2); c.1005A>G, p.Lys335= (NM_001318730.2, NM_001379.4); c.690A>G, p.Lys230= (NM_001318731.2).
Identifiers: ClinVar variation 381073 (VCV000381073.17), dbSNP rs139355567, ClinGen allele CA9188412.